The following is an entry in ClinVar:

NM_016529.6(ATP8A2):c.2414T>C (p.Val805Ala)

Gene: ATP8A2 (ATPase phospholipid transporting 8A2). Cytogenetic location: 13q12.13.
Variant type: single nucleotide variant.
Coding change: c.2414T>C on transcript NM_016529.6 (MANE Select); coding-DNA position 2414, T replaced by C.
Protein change: p.Val805Ala; replaces valine 805 with alanine.
Molecular consequence: missense variant.
Genome position (GRCh38, 1-based): chr13:25,769,075, T>C. VCF-style: chr13-25769075-T-C. GRCh37 (hg19) VCF-style: chr13-26343213-T-C.
Other names: c.2294T>C, p.Val765Ala (NM_001313741.1); short protein forms V765A, V805A.
Identifiers: ClinVar variation 1482277 (VCV001482277.8), dbSNP rs1482862551, ClinGen allele CA387681070.

ClinVar aggregate classification (germline): Uncertain significance (1 of 4 stars; one submission).

Allele frequency attached by ClinVar (database versions not stated): gnomAD exomes below 0.00001; gnomAD 0.00001.
gnomAD v4.1: 2 of 1,614,048 alleles (0.00012%); highest among the groups gnomAD compares: Non-Finnish European, 0.00017%; no homozygotes.

Submission:

Labcorp Genetics (formerly Invitae), Labcorp
Classification: Uncertain significance. Last evaluated: 2021-07-10. Review status: criteria provided, single submitter. Criteria: Invitae Variant Classification Sherloc (09022015). Collection method: clinical testing. Allele origin: germline.
Comment: Algorithms developed to predict the effect of missense changes on protein structure and function are either unavailable or do not agree on the potential impact of this missense change (SIFT: "Deleterious"; PolyPhen-2: "Probably Damaging"; Align-GVGD: "Class C0"). This variant has not been reported in the literature in individuals affected with ATP8A2-related conditions. This variant is not present in population databases (ExAC no frequency). This sequence change replaces valine with alanine at codon 805 of the ATP8A2 protein (p.Val805Ala). The valine residue is moderately conserved and there is a small physicochemical difference between valine and alanine. In summary, the available evidence is currently insufficient to determine the role of this variant in disease. Therefore, it has been classified as a Variant of Uncertain Significance.